The following is an entry in ClinVar:

ClinVar aggregate classification (germline): Uncertain significance (1 of 4 stars; one submission).

Conditions:
Epidermolysis bullosa simplex with nail dystrophy (EBS5D). Identifiers: MedGen C4225309, MONDO:0014661, OMIM 616487.
Autosomal recessive limb-girdle muscular dystrophy type 2Q (LGMDR17). Also called: MUSCULAR DYSTROPHY, LIMB-GIRDLE, AUTOSOMAL RECESSIVE 17. Identifiers: Orphanet 254361, MedGen C3150989, MONDO:0013390, OMIM 613723.
Epidermolysis bullosa simplex 5B, with muscular dystrophy (EBS5B). Also called: Epidermolysis bullosa simplex with muscular dystrophy; EPIDERMOLYSIS BULLOSA SIMPLEX AND LIMB-GIRDLE MUSCULAR DYSTROPHY. Identifiers: Orphanet 257, MedGen C2931072, MONDO:0009181, OMIM 226670.
Epidermolysis bullosa simplex 5C, with pyloric atresia (EBS5C). Also called: PLEC-Related Epidermolysis Bullosa with Pyloric Atresia; Epidermolysis bullosa simplex with pyloric atresia; PLEC1-Related Epidermolysis Bullosa with Pyloric Atresia. Identifiers: Orphanet 158684, MedGen C2677349, MONDO:0012807, OMIM 612138.
Epidermolysis bullosa simplex, Ogna type (EBS5A). Also called: Pidermolysis bullosa simplex 5A, Ogna type; EPIDERMOLYSIS BULLOSA SIMPLEX 5A, OGNA TYPE. Identifiers: Orphanet 79401, MedGen C0432317, MONDO:0007555, OMIM 131950.

gnomAD v4.1: 1 of 1,585,452 alleles (0.000063%); no homozygotes.

Submission:

Labcorp Genetics (formerly Invitae), Labcorp
Classification: Uncertain significance for Autosomal recessive limb-girdle muscular dystrophy type 2Q; Epidermolysis bullosa simplex, Ogna type; Epidermolysis bullosa simplex with nail dystrophy; Epidermolysis bullosa simplex 5C, with pyloric atresia; Epidermolysis bullosa simplex 5B, with muscular dystrophy. Last evaluated: 2024-12-16. Review status: criteria provided, single submitter. Criteria: Invitae Variant Classification Sherloc (09022015). Collection method: clinical testing. Allele origin: germline.
Comment: This sequence change replaces glycine, which is neutral and non-polar, with glutamic acid, which is acidic and polar, at codon 1182 of the PLEC protein (p.Gly1182Glu). This variant is not present in population databases (gnomAD no frequency). This variant has not been reported in the literature in individuals affected with PLEC-related conditions. Invitae Evidence Modeling of protein sequence and biophysical properties (such as structural, functional, and spatial information, amino acid conservation, physicochemical variation, residue mobility, and thermodynamic stability) indicates that this missense variant is not expected to disrupt PLEC protein function with a negative predictive value of 80%. In summary, the available evidence is currently insufficient to determine the role of this variant in disease. Therefore, it has been classified as a Variant of Uncertain Significance.

NM_201384.3(PLEC):c.3464G>A (p.Gly1155Glu)

Gene: PLEC (plectin; minus strand). Cytogenetic location: 8q24.3.
Variant type: single nucleotide variant.
Coding change: c.3464G>A on transcript NM_201384.3 (MANE Select); coding-DNA position 3464, G replaced by A.
Protein change: p.Gly1155Glu; replaces glycine 1155 with glutamic acid.
Molecular consequence: missense variant.
Genome position (GRCh38, 1-based): chr8:143,927,702, C>T on the plus strand (G>A on the coding strand, the complement: PLEC is on the minus strand). VCF-style: chr8-143927702-C-T. GRCh37 (hg19) VCF-style: chr8-145001870-C-T.
Other names: c.3875G>A, p.Gly1292Glu (NM_201380.4); c.3368G>A, p.Gly1123Glu (NM_201381.3); c.3464G>A, p.Gly1155Glu (NM_201382.4); c.3476G>A, p.Gly1159Glu (NM_201383.3); c.3545G>A, p.Gly1182Glu (NM_000445.5, NM_001410941.1); c.3422G>A, p.Gly1141Glu (NM_201378.4); c.3398G>A, p.Gly1133Glu (NM_201379.3); short protein forms G1123E, G1133E, G1141E, G1155E, G1159E, G1182E, G1292E.
Identifiers: ClinVar variation 3748461 (VCV003748461.2).